The following is an entry in ClinVar:

ClinVar aggregate classification (germline): Likely pathogenic (1 of 4 stars; one submission).

Submission:

GeneDx
Classification: Likely pathogenic. Last evaluated: 2025-08-11. Review status: criteria provided, single submitter. Criteria: GeneDx Variant Classification Process June 2021. Collection method: clinical testing. Allele origin: germline. Affected: yes.
Comment: Not observed at significant frequency in large population cohorts (gnomAD); Missense variants in this gene are a common cause of disease and they are underrepresented in the general population; In silico analysis supports that this missense variant has a deleterious effect on protein structure/function; This variant is associated with the following publications: (PMID: 30744660)

NM_006009.4(TUBA1A):c.734A>G (p.Asp245Gly)

Gene: TUBA1A (tubulin alpha 1a; minus strand). Cytogenetic location: 12q13.12.
Variant type: single nucleotide variant.
Coding change: c.734A>G on transcript NM_006009.4 (MANE Select); coding-DNA position 734, A replaced by G.
Protein change: p.Asp245Gly; replaces aspartic acid 245 with glycine.
Molecular consequence: missense variant.
Genome position (GRCh38, 1-based): chr12:49,185,632, T>C on the plus strand (A>G on the coding strand, the complement: TUBA1A is on the minus strand). VCF-style: chr12-49185632-T-C. GRCh37 (hg19) VCF-style: chr12-49579415-T-C.
Other names: c.734A>G (NM_006009.2); c.734A>G, p.Asp245Gly (NM_001270399.2); c.629A>G, p.Asp210Gly (NM_001270400.2); short protein forms D245G, D210G.
Identifiers: ClinVar variation 4795410 (VCV004795410.1), dbSNP rs1565627164.
Genomic context (GRCh38, chr12:49,185,632, plus strand): 5'-ATGCGGGGATAGGGCACCAGGTTGGTCTGGAATTCTGTCAGGTCAACATTCAGGGCTCCA[T>C]CAAATCTCAGGGAAGCAGTGATGGAGGACACAATTTGACCTATTAACCTATTCAGGTTAG-3'
Protein context (NP_006000.2, residues 235-255): VSSITASLRF[Asp245Gly]GALNVDLTEF